The following is an entry in ClinVar:

ClinVar aggregate classification (germline): Pathogenic. Review status: criteria provided, multiple submitters, no conflicts (2 of 4 stars). 2 submissions from 2 submitters: Pathogenic (2). Last evaluated 2025-09-08.

Conditions:
Oculofaciocardiodental syndrome (MCOPS2). Identifiers: Orphanet 2712, MedGen C1846265, MONDO:0010261, OMIM 300166.

Submissions (2):

3billion
Classification: Pathogenic for Oculofaciocardiodental syndrome. Last evaluated: 2025-09-08. Review status: criteria provided, single submitter. Criteria: ACMG Guidelines, 2015. Collection method: clinical testing. Allele origin: germline. Affected: yes.
Comment: The variant is not observed in the gnomAD v4.1.0 dataset. Predicted Consequence/Location: Stop-gained (nonsense): predicted to result in a loss or disruption of normal protein function through nonsense-mediated decay (NMD) or protein truncation. Multiple pathogenic variants are reported downstream of the variant. The variant has been reported to be associated with BCOR-related disorder (ClinVar ID: VCV000429288). Therefore, this variant is classified as Pathogenic according to the recommendation of ACMG/AMP guideline.

GeneDx
Classification: Pathogenic. Last evaluated: 2017-05-05. Review status: criteria provided, single submitter. Criteria: GeneDx Variant Classification (06012015). Collection method: clinical testing. Allele origin: germline. Affected: yes.
Comment: The R342X variant in the BCOR gene has not been reported previously, to our knowledge, as a pathogenic variant nor as a benign variant in association with BCOR-related disorders. This variant is predicted to cause loss of normal protein function either through protein truncation or nonsense-mediated mRNA decay. The R342X variant is not observed in large population cohorts (Lek et al., 2016; 1000 Genomes Consortium et al., 2015; Exome Variant Server). We interpret R342X as a pathogenic variant.

NM_001123385.2(BCOR):c.1024C>T (p.Arg342Ter)

Genes: BCOR (BCL6 corepressor; minus strand), LOC126863239 (MED14-independent group 3 enhancer GRCh37_chrX:39932994-39934193; plus strand). Cytogenetic location: Xp11.4.
Variant type: single nucleotide variant.
Coding change: c.1024C>T on transcript NM_001123385.2 (MANE Select); coding-DNA position 1024, C replaced by T.
Protein change: p.Arg342Ter; replaces arginine 342 with a stop codon.
Molecular consequence: nonsense.
Genome position (GRCh38, 1-based): chrX:40,074,322, G>A on the plus strand (C>T on the coding strand, the complement: BCOR is on the minus strand). VCF-style: chrX-40074322-G-A. GRCh37 (hg19) VCF-style: chrX-39933575-G-A.
Other names: c.1024C>T, p.Arg342Ter (NM_001123383.2, NM_001123384.2, NM_017745.6); short protein forms R342*.
Identifiers: ClinVar variation 429288 (VCV000429288.3), dbSNP rs151177114, ClinGen allele CA412747482.
Genomic context (GRCh38, chrX:40,074,322, plus strand): 5'-CATAGTGCTTGTGGAACTCCGAGTAGGTGTCTGCAGCAGGCTGGGTGGGAAGGTGGACTC[G>A]GGGTGACGGCCGAGGCGAGGGGGGCAACAGGAGAGCTGTGTCCCCCGGCAGGCCACTGGT-3'